The following is an entry in ClinVar:

ClinVar aggregate classification (germline): Uncertain significance. Review status: criteria provided, multiple submitters, no conflicts (2 of 4 stars). 2 submissions from 2 submitters: Uncertain significance (2). Last evaluated 2024-05-23.

Conditions:
Joubert syndrome 17 (JBTS17). Identifiers: Orphanet 475, MedGen C3553264, MONDO:0013824, OMIM 614615.
Orofaciodigital syndrome type 6 (OFD6). Also called: Oral-facial-digital syndrome type 6; Central polydactyly cleft lip/palate or lingual lump and psychomotor retardation; Y-shaped central metacarpal and cerebellar defect; Joubert syndrome with orofacialdigital anomalies; OROFACIODIGITAL SYNDROME VI; OFDS VI. Identifiers: Orphanet 2754, MedGen C2745997, MONDO:0010176, OMIM 277170.

gnomAD v4.1: 2 of 1,609,200 alleles (0.00012%); no homozygotes.

Submissions (2):

Fulgent Genetics
Classification: Uncertain significance for Orofaciodigital syndrome type 6; Joubert syndrome 17. Last evaluated: 2024-05-23. Review status: criteria provided, single submitter. Criteria: ACMG Guidelines, 2015. Collection method: clinical testing. Allele origin: germline.

Labcorp Genetics (formerly Invitae), Labcorp
Classification: Uncertain significance. Last evaluated: 2022-06-14. Review status: criteria provided, single submitter. Criteria: Invitae Variant Classification Sherloc (09022015). Collection method: clinical testing. Allele origin: germline.
Comment: This sequence change replaces tyrosine, which is neutral and polar, with phenylalanine, which is neutral and non-polar, at codon 1492 of the CPLANE1 protein (p.Tyr1492Phe). This variant is not present in population databases (gnomAD no frequency). This variant has not been reported in the literature in individuals affected with CPLANE1-related conditions. Advanced modeling of protein sequence and biophysical properties (such as structural, functional, and spatial information, amino acid conservation, physicochemical variation, residue mobility, and thermodynamic stability) performed at Invitae indicates that this missense variant is not expected to disrupt CPLANE1 protein function. In summary, the available evidence is currently insufficient to determine the role of this variant in disease. Therefore, it has been classified as a Variant of Uncertain Significance.

NM_001384732.1(CPLANE1):c.4475A>T (p.Tyr1492Phe)

Genes: CPLANE1 (ciliogenesis and planar polarity effector complex subunit 1; minus strand), LOC129389274 (MPRA-validated peak5227 silencer; plus strand). Cytogenetic location: 5p13.2.
Variant type: single nucleotide variant.
Coding change: c.4475A>T on transcript NM_001384732.1 (MANE Select); coding-DNA position 4475, A replaced by T.
Protein change: p.Tyr1492Phe; replaces tyrosine 1492 with phenylalanine.
Molecular consequence: missense variant.
Genome position (GRCh38, 1-based): chr5:37,184,794, T>A on the plus strand (A>T on the coding strand, the complement: CPLANE1 is on the minus strand). VCF-style: chr5-37184794-T-A. GRCh37 (hg19) VCF-style: chr5-37184896-T-A.
Other names: c.4475A>T (NM_023073.3); c.4475A>T, p.Tyr1492Phe (NM_023073.4); short protein forms Y1492F.
Identifiers: ClinVar variation 2117614 (VCV002117614.4), dbSNP rs895907055, ClinGen allele CA117069829.